The following is an entry in ClinVar:

NM_001330260.2(SCN8A):c.1399G>A (p.Gly467Ser)

Gene: SCN8A (sodium voltage-gated channel alpha subunit 8; plus strand). Cytogenetic location: 12q13.13.
Variant type: single nucleotide variant.
Coding change: c.1399G>A on transcript NM_001330260.2 (MANE Select); coding-DNA position 1399, G replaced by A.
Protein change: p.Gly467Ser; replaces glycine 467 with serine.
Molecular consequence: missense variant.
Genome position (GRCh38, 1-based): chr12:51,706,479, G>A. VCF-style: chr12-51706479-G-A. GRCh37 (hg19) VCF-style: chr12-52100263-G-A.
Other names: c.1399G>A, p.Gly467Ser (NM_001177984.3, NM_001369788.1, NM_014191.4); short protein forms G467S.
Identifiers: ClinVar variation 3903000 (VCV003903000.1).

ClinVar aggregate classification (germline): Uncertain significance (1 of 4 stars; one submission).

Submission:

GeneDx
Classification: Uncertain significance. Last evaluated: 2024-12-10. Review status: criteria provided, single submitter. Criteria: GeneDx Variant Classification Process June 2021. Collection method: clinical testing. Allele origin: germline. Affected: yes.
Comment: Not observed at significant frequency in large population cohorts (gnomAD); In silico analysis indicates that this missense variant does not alter protein structure/function; Has not been previously published as pathogenic or benign to our knowledge; This substitution is predicted to be within the cytoplasmic loop between the first and second homologous domains